The following is an entry in ClinVar:

NM_020427.3(SLURP1):c.43T>C (p.Trp15Arg)

Gene: SLURP1 (secreted LY6/PLAUR domain containing 1; minus strand). Cytogenetic location: 8q24.3.
Variant type: single nucleotide variant.
Coding change: c.43T>C on transcript NM_020427.3 (MANE Select); coding-DNA position 43, T replaced by C.
Protein change: p.Trp15Arg; replaces tryptophan 15 with arginine.
Molecular consequence: missense variant.
Genome position (GRCh38, 1-based): chr8:142,742,343, A>G on the plus strand (T>C on the coding strand, the complement: SLURP1 is on the minus strand). VCF-style: chr8-142742343-A-G. GRCh37 (hg19) VCF-style: chr8-143823761-A-G.
Other names: short protein forms W15R.
Identifiers: ClinVar variation 4605 (VCV000004605.8), dbSNP rs121908318, ClinGen allele CA116954.
Genomic context (GRCh38, chr8:142,742,343, plus strand): 5'-GACAAGCTCAGAGGCAGGGTCCCCACCAGCCTGCGGCCCACTCACCACAGCCCATGCTCC[A>G]GGCTGCCACGAGCAGCAGCTGCACAGCCCAGCGAGAGGCCATTGCTCCGTGCTCAGAAGT-3'
Protein context (NP_065160.1, residues 5-25): WAVQLLLVAA[Trp15Arg]SMGCGEALKC

ClinVar aggregate classification (germline): Pathogenic. Review status: criteria provided, multiple submitters, no conflicts (2 of 4 stars). 4 submissions from 4 submitters: Pathogenic (3). 1 of the submissions does not count toward it. Last evaluated 2025-02-22.

Conditions:
SLURP1-related disorder. Also called: SLURP1-related condition.
Acroerythrokeratoderma (MDM). Also called: PALMOPLANTAR KERATODERMA, NORRBOTTEN RECESSIVE TYPE; PALMOPLANTAR KERATODERMA, GAMBORG NIELSEN TYPE; Mal de Meleda; Meleda disease; KERATOSIS PALMOPLANTARIS TRANSGREDIENS OF SIEMENS. Identifiers: Orphanet 87503, MedGen C0025221, MONDO:0009552, OMIM 248300.

Allele frequency attached by ClinVar (database versions not stated): gnomAD exomes 0.00004 and 0.00008; gnomAD 0.00006 and 0.00007; TOPMed 0.00007; ExAC 0.00013.
gnomAD v4.1: 83 of 1,612,844 alleles (0.0051%); highest among the groups gnomAD compares: Non-Finnish European, 0.0058%; no homozygotes.

Submissions (4):

Labcorp Genetics (formerly Invitae), Labcorp
Classification: Pathogenic. Last evaluated: 2025-02-22. Review status: criteria provided, single submitter. Criteria: Invitae Variant Classification Sherloc (09022015). Collection method: clinical testing. Allele origin: germline.
Comment: This sequence change replaces tryptophan, which is neutral and slightly polar, with arginine, which is basic and polar, at codon 15 of the SLURP1 protein (p.Trp15Arg). This variant is present in population databases (rs121908318, gnomAD 0.02%). This missense change has been observed in individuals with Mal de Meleda (PMID: 12483299, 12603845, 24604124). ClinVar contains an entry for this variant (Variation ID: 4605). An algorithm developed to predict the effect of missense changes on protein structure and function (PolyPhen-2) suggests that this variant is likely to be tolerated. Experimental studies have shown that this missense change affects SLURP1 function (PMID: 17008884). For these reasons, this variant has been classified as Pathogenic.

Blueprint Genetics
Classification: Pathogenic for SLURP1-related disorders. Last evaluated: 2023-02-17. Review status: criteria provided, single submitter. Criteria: ACMG Guidelines, 2015. Collection method: clinical testing. Allele origin: germline. Affected: yes. Observed: 3 variant alleles.

Laboratory for Molecular Medicine, Mass General Brigham Personalized Medicine
Classification: Pathogenic for Acroerythrokeratoderma. Last evaluated: 2018-08-29. Review status: criteria provided, single submitter. Criteria: LMM Criteria. Collection method: clinical testing. Allele origin: germline. Inheritance: Autosomal recessive inheritance. Observed: 1 variant allele.
Comment: The p.Trp15Arg variant in SLURP1 has been reported 13 homozygous and 3 compound heterozygous individuals with clinical features of Mal de Meleda and segregated with disease in 9 affected releatives from at least 2 families (Eckl 2003, Nelle n 2013, Zhao 2014). This variant has been identified in 19/125816 European chrom osomes by the Genome Aggregation Database (gnomAD. org) and has been reported in ClinVar (Variation ID 4605). In vitro functional s tudies provide some evidence that the p.Trp15Arg variant may impact protein func tion (Favre 2007). In summary, this variant meets criteria to be classified as p athogenic for autosomal recessive Mal de Meleda based upon segregation studies a nd functional evidence. ACMG/AMP criteria applied: PM3_Strong, PP1_Strong, PS3_S upporting.

OMIM
Classification: Pathogenic for MAL DE MELEDA. Last evaluated: 2013-06-01. Review status: no assertion criteria provided. Collection method: literature only. Allele origin: germline. Not counted in ClinVar's aggregate classification.

Literature cited by the submitters: PubMed 12483299 (cited by 3 submitters); PubMed 12603845 (cited by 3 submitters); PubMed 24604124 (cited by 3 submitters); PubMed 17008884 (cited by Labcorp Genetics (formerly Invitae), Labcorp and Laboratory for Molecular Medicine, Mass General Brigham Personalized Medicine); PubMed 23290002 (cited by Laboratory for Molecular Medicine, Mass General Brigham Personalized Medicine and OMIM); PubMed 19120323 (cited by OMIM).